The following is an entry in ClinVar:

NM_005911.6(MAT2A):c.952-49A>G

Genes: GGCX (gamma-glutamyl carboxylase; minus strand), MAT2A (methionine adenosyltransferase 2A; plus strand). Cytogenetic location: 2p11.2.
Variant type: single nucleotide variant.
Coding change: c.952-49A>G on transcript NM_005911.6 (MANE Select); 49 bases into the intron before coding-DNA position 952, A replaced by G.
Molecular consequence: intron variant.
Genome position (GRCh38, 1-based): chr2:85,542,852, A>G. VCF-style: chr2-85542852-A-G. GRCh37 (hg19) VCF-style: chr2-85769975-A-G.
Other names: NC_000002.11:g.85769975A>G.
Identifiers: ClinVar variation 674849 (VCV000674849.3), dbSNP rs2043675, ClinGen allele CA1741526.

ClinVar aggregate classification (germline): Benign. Review status: criteria provided, multiple submitters, no conflicts (2 of 4 stars). 2 submissions from 2 submitters: Benign (2). Last evaluated 2018-06-18.

Allele frequency attached by ClinVar (database versions not stated): 1000 Genomes Project 0.28734; 1000 Genomes Project 30x 0.28748; TOPMed 0.29702; ESP Exome Variant Server 0.30455; gnomAD 0.30582.
gnomAD v4.1: 441,676 of 1,593,930 alleles (28%); highest among the groups gnomAD compares: African/African-American, 36%; 62,648 homozygotes.

Submissions (4):

GeneDx
Classification: Benign. Last evaluated: 2018-06-18. Review status: criteria provided, single submitter. Criteria: GeneDx Variant Classification (06012015). Collection method: clinical testing. Allele origin: germline. Affected: yes.
Comment: This variant is considered likely benign or benign based on one or more of the following criteria: it is a conservative change, it occurs at a poorly conserved position in the protein, it is predicted to be benign by multiple in silico algorithms, and/or has population frequency not consistent with disease.

Breakthrough Genomics
Classification: Benign. Review status: criteria provided, single submitter. Criteria: ACMG Guidelines, 2015. Collection method: not provided. Allele origin: germline. Inheritance: Unknown mechanism. Affected: yes.

Dr. Peter K. Rogan Lab, Western University
No classification provided (evidence only). Condition: Familial cancer of breast. Review status: no classification provided. Collection method: in vitro. Allele origin: not applicable. Functional consequence: skipped exon. Not counted in ClinVar's aggregate classification.

Dr. Peter K. Rogan Lab, Western University
No classification provided (evidence only). Condition: Malignant lymphoma, large B-cell, diffuse. Review status: no classification provided. Collection method: in vitro. Allele origin: not applicable. Functional consequence: retained intron. Not counted in ClinVar's aggregate classification.